The following is an entry in ClinVar:

NM_001142800.2(EYS):c.7861A>G (p.Asn2621Asp)

Gene: EYS (eyes shut homolog; minus strand). Cytogenetic location: 6q12.
Variant type: single nucleotide variant.
Coding change: c.7861A>G on transcript NM_001142800.2 (MANE Select); coding-DNA position 7861, A replaced by G.
Protein change: p.Asn2621Asp; replaces asparagine 2621 with aspartic acid.
Molecular consequence: missense variant.
Genome position (GRCh38, 1-based): chr6:63,778,043, T>C on the plus strand (A>G on the coding strand, the complement: EYS is on the minus strand). VCF-style: chr6-63778043-T-C. GRCh37 (hg19) VCF-style: chr6-64487936-T-C.
Other names: c.7861A>G, p.Asn2621Asp (NM_001292009.2); short protein forms N2621D.
Identifiers: ClinVar variation 935924 (VCV000935924.6), dbSNP rs1193588140, ClinGen allele CA364390480.

ClinVar aggregate classification (germline): Uncertain significance. Review status: criteria provided, multiple submitters, no conflicts (2 of 4 stars). 3 submissions from 3 submitters: Uncertain significance (2). 1 of the submissions does not count toward it. Last evaluated 2025-03-01.

Conditions:
Retinitis pigmentosa 25 (RP25). Identifiers: Orphanet 791, MedGen C1864446, MONDO:0011272, OMIM 602772.
Inborn genetic diseases. Identifiers: MedGen C0950123, MeSH D030342.

Allele frequency attached by ClinVar (database versions not stated): gnomAD 0.00001; gnomAD exomes 0.00001; TOPMed 0.00001.
gnomAD v4.1: 17 of 1,551,592 alleles (0.0011%); highest among the groups gnomAD compares: Non-Finnish European, 0.00096%; no homozygotes.

Submissions (3):

Ambry Genetics
Classification: Uncertain significance for Inborn genetic diseases. Last evaluated: 2025-03-01. Review status: criteria provided, single submitter. Criteria: Ambry Variant Classification Scheme 2023. Collection method: clinical testing. Allele origin: germline.

Labcorp Genetics (formerly Invitae), Labcorp
Classification: Uncertain significance. Last evaluated: 2022-09-01. Review status: criteria provided, single submitter. Criteria: Invitae Variant Classification Sherloc (09022015). Collection method: clinical testing. Allele origin: germline.
Comment: This sequence change replaces asparagine, which is neutral and polar, with aspartic acid, which is acidic and polar, at codon 2621 of the EYS protein (p.Asn2621Asp). This variant is not present in population databases (gnomAD no frequency). This variant has not been reported in the literature in individuals affected with EYS-related conditions. ClinVar contains an entry for this variant (Variation ID: 935924). Algorithms developed to predict the effect of missense changes on protein structure and function are either unavailable or do not agree on the potential impact of this missense change (SIFT: "Deleterious"; PolyPhen-2: "Possibly Damaging"; Align-GVGD: "Class C15"). In summary, the available evidence is currently insufficient to determine the role of this variant in disease. Therefore, it has been classified as a Variant of Uncertain Significance.

Natera, Inc.
Classification: Uncertain significance for Retinitis pigmentosa type 25. Last evaluated: 2020-09-29. Review status: no assertion criteria provided. Collection method: clinical testing. Allele origin: germline. Not counted in ClinVar's aggregate classification.